The following is an entry in ClinVar:

ClinVar aggregate classification (germline): Uncertain significance (1 of 4 stars; one submission).

Conditions:
Arrhythmogenic right ventricular dysplasia 10. Also called: Arrhythmogenic Right Ventricular Dysplasia/Cardiomyopathy10; ARRHYTHMOGENIC RIGHT VENTRICULAR DYSPLASIA, FAMILIAL, 10; Arrhythmogenic right ventricular dysplasia/cardiomyopathy, type 10. Identifiers: MedGen C1857777, MONDO:0012434, OMIM 610193.

Allele frequency attached by ClinVar (database versions not stated): gnomAD exomes below 0.00001.
gnomAD v4.1: 2 of 1,614,212 alleles (0.00012%); highest among the groups gnomAD compares: Non-Finnish European, 0.00017%; no homozygotes.

Submission:

Labcorp Genetics (formerly Invitae), Labcorp
Classification: Uncertain significance for Arrhythmogenic right ventricular dysplasia 10. Last evaluated: 2022-03-18. Review status: criteria provided, single submitter. Criteria: Invitae Variant Classification Sherloc (09022015). Collection method: clinical testing. Allele origin: germline.
Comment: This sequence change replaces glutamine, which is neutral and polar, with histidine, which is basic and polar, at codon 558 of the DSG2 protein (p.Gln558His). This variant is not present in population databases (gnomAD no frequency). This variant has not been reported in the literature in individuals affected with DSG2-related conditions. ClinVar contains an entry for this variant (Variation ID: 534677). Algorithms developed to predict the effect of missense changes on protein structure and function are either unavailable or do not agree on the potential impact of this missense change (SIFT: "Deleterious"; PolyPhen-2: "Benign"; Align-GVGD: "Class C0"). In summary, the available evidence is currently insufficient to determine the role of this variant in disease. Therefore, it has been classified as a Variant of Uncertain Significance.

NM_001943.5(DSG2):c.1674A>C (p.Gln558His)

Gene: DSG2 (desmoglein 2; plus strand). Cytogenetic location: 18q12.1.
Variant type: single nucleotide variant.
Coding change: c.1674A>C on transcript NM_001943.5 (MANE Select); coding-DNA position 1674, A replaced by C.
Protein change: p.Gln558His; replaces glutamine 558 with histidine.
Molecular consequence: missense variant.
Genome position (GRCh38, 1-based): chr18:31,538,773, A>C. VCF-style: chr18-31538773-A-C. GRCh37 (hg19) VCF-style: chr18-29118736-A-C.
Other names: c.1674A>C (LRG_397t1); short protein forms Q558H.
Identifiers: ClinVar variation 534677 (VCV000534677.8), dbSNP rs1019401099, ClinGen allele CA297698982.